The following is an entry in ClinVar:

NM_005263.5(GFI1):c.8G>C (p.Arg3Pro)

Gene: GFI1 (growth factor independent 1 transcriptional repressor; minus strand). Cytogenetic location: 1p22.1.
Variant type: single nucleotide variant.
Coding change: c.8G>C on transcript NM_005263.5 (MANE Select); coding-DNA position 8, G replaced by C.
Protein change: p.Arg3Pro; replaces arginine 3 with proline.
Molecular consequence: missense variant.
Genome position (GRCh38, 1-based): chr1:92,483,480, C>G on the plus strand (G>C on the coding strand, the complement: GFI1 is on the minus strand). VCF-style: chr1-92483480-C-G. GRCh37 (hg19) VCF-style: chr1-92949037-C-G.
Other names: c.8G>C, p.Arg3Pro (NM_001127215.3, NM_001127216.3); short protein forms R3P.
Identifiers: ClinVar variation 4811679 (VCV004811679.1).

ClinVar aggregate classification (germline): Uncertain significance (1 of 4 stars; one submission).

Conditions:
Neutropenia, severe congenital, 2, autosomal dominant. Identifiers: Orphanet 486, MedGen C2751288, MONDO:0013139, OMIM 613107.

Submission:

Labcorp Genetics (formerly Invitae), Labcorp
Classification: Uncertain significance for Neutropenia, severe congenital, 2, autosomal dominant. Last evaluated: 2025-06-17. Review status: criteria provided, single submitter. Criteria: Invitae Variant Classification Sherloc (09022015). Collection method: clinical testing. Allele origin: germline.
Comment: This sequence change replaces arginine, which is basic and polar, with proline, which is neutral and non-polar, at codon 3 of the GFI1 protein (p.Arg3Pro). This variant is not present in population databases (gnomAD no frequency). This variant has not been reported in the literature in individuals affected with GFI1-related conditions. An algorithm developed to predict the effect of missense changes on protein structure and function (PolyPhen-2) suggests that this variant is likely to be disruptive. In summary, the available evidence is currently insufficient to determine the role of this variant in disease. Therefore, it has been classified as a Variant of Uncertain Significance.